The following is an entry in ClinVar:

NM_147686.4(TRAF3IP2):c.563C>T (p.Ala188Val)

Genes: TRAF3IP2-AS1 (TRAF3IP2 antisense RNA 1; plus strand), TRAF3IP2 (TRAF3 interacting protein 2; minus strand), LOC114803478 (TRAF3IP2 eExon liver enhancer; plus strand). Cytogenetic location: 6q21.
Variant type: single nucleotide variant.
Coding change: c.563C>T on transcript NM_147686.4 (MANE Select); coding-DNA position 563, C replaced by T.
Protein change: p.Ala188Val; replaces alanine 188 with valine.
Molecular consequence: missense variant.
Genome position (GRCh38, 1-based): chr6:111,591,524, G>A on the plus strand (C>T on the coding strand, the complement: TRAF3IP2 is on the minus strand). VCF-style: chr6-111591524-G-A. GRCh37 (hg19) VCF-style: chr6-111912727-G-A.
Other names: c.563C>T, p.Ala188Val (NM_001164281.3); c.590C>T, p.Ala197Val (NM_147200.3); short protein forms A188V, A197V.
Identifiers: ClinVar variation 2122745 (VCV002122745.4), dbSNP rs1583239891, ClinGen allele CA365366716.

ClinVar aggregate classification (germline): Uncertain significance (1 of 4 stars; one submission).

Conditions:
Candidiasis, familial, 8 (CANDF8). Identifiers: Orphanet 1334, MedGen C3714992, MONDO:0014230, OMIM 615527.

Submission:

Labcorp Genetics (formerly Invitae), Labcorp
Classification: Uncertain significance for Candidiasis, familial, 8. Last evaluated: 2022-04-07. Review status: criteria provided, single submitter. Criteria: Invitae Variant Classification Sherloc (09022015). Collection method: clinical testing. Allele origin: germline.
Comment: In summary, the available evidence is currently insufficient to determine the role of this variant in disease. Therefore, it has been classified as a Variant of Uncertain Significance. Algorithms developed to predict the effect of missense changes on protein structure and function output the following: SIFT: "Tolerated"; PolyPhen-2: "Benign"; Align-GVGD: "Class C0". The valine amino acid residue is found in multiple mammalian species, which suggests that this missense change does not adversely affect protein function. This variant has not been reported in the literature in individuals affected with TRAF3IP2-related conditions. This variant is not present in population databases (gnomAD no frequency). This sequence change replaces alanine, which is neutral and non-polar, with valine, which is neutral and non-polar, at codon 188 of the TRAF3IP2 protein (p.Ala188Val).